The following is an entry in ClinVar:

NM_001042492.3(NF1):c.2099C>T (p.Thr700Ile)

Gene: NF1 (neurofibromin 1; plus strand). Cytogenetic location: 17q11.2.
Variant type: single nucleotide variant.
Coding change: c.2099C>T on transcript NM_001042492.3 (MANE Select); coding-DNA position 2099, C replaced by T.
Protein change: p.Thr700Ile; replaces threonine 700 with isoleucine.
Molecular consequence: missense variant.
Genome position (GRCh38, 1-based): chr17:31,226,532, C>T. VCF-style: chr17-31226532-C-T. GRCh37 (hg19) VCF-style: chr17-29553550-C-T.
Other names: c.2099C>T, p.Thr700Ile (NM_000267.4); short protein forms T700I.
Identifiers: ClinVar variation 2004814 (VCV002004814.4), dbSNP rs1446159048, ClinGen allele CA398982257.

ClinVar aggregate classification (germline): Uncertain significance (1 of 4 stars; one submission).

Conditions:
Neurofibromatosis, type 1 (NF1). Also called: Neurofibromatosis, type I; Peripheral type neurofibromatosis; NEUROFIBROMATOSIS, TYPE I, SOMATIC; VON RECKLINGHAUSEN DISEASE. Identifiers: Orphanet 636, MedGen C0027831, MONDO:0018975, OMIM 162200. Disease mechanism: loss of function.

Submission:

Labcorp Genetics (formerly Invitae), Labcorp
Classification: Uncertain significance for Neurofibromatosis, type 1. Last evaluated: 2022-06-13. Review status: criteria provided, single submitter. Criteria: Invitae Variant Classification Sherloc (09022015). Collection method: clinical testing. Allele origin: germline.
Comment: In summary, the available evidence is currently insufficient to determine the role of this variant in disease. Therefore, it has been classified as a Variant of Uncertain Significance. Advanced modeling of protein sequence and biophysical properties (such as structural, functional, and spatial information, amino acid conservation, physicochemical variation, residue mobility, and thermodynamic stability) performed at Invitae indicates that this missense variant is not expected to disrupt NF1 protein function. This variant has not been reported in the literature in individuals affected with NF1-related conditions. This variant is not present in population databases (gnomAD no frequency). This sequence change replaces threonine, which is neutral and polar, with isoleucine, which is neutral and non-polar, at codon 700 of the NF1 protein (p.Thr700Ile).